The following is an entry in ClinVar:

ClinVar aggregate classification (germline): Conflicting classifications of pathogenicity. Review status: criteria provided, conflicting classifications (1 of 4 stars). 5 submissions from 5 submitters: Uncertain significance (3); Likely benign (1). 1 of the submissions does not count toward it. Last evaluated 2024-10-30.

Conditions:
Fanconi anemia complementation group J. Also called: BRIP1-Related Fanconi Anemia. Identifiers: Orphanet 84, MedGen C1836860, MONDO:0012187, OMIM 609054.
Familial cancer of breast. Also called: hereditary breast carcinoma; BREAST CANCER, FAMILIAL; Hereditary breast cancer. Identifiers: Orphanet 227535, MedGen C0346153, MONDO:0016419, OMIM 114480. Disease mechanism: loss of function.
Hereditary cancer-predisposing syndrome. Also called: Tumor predisposition; Hereditary Cancer Syndrome; Hereditary neoplastic syndrome; Neoplastic Syndromes, Hereditary. Identifiers: Orphanet 140162, MedGen C0027672, MeSH D009386, MONDO:0015356.

Submissions (5):

Ambry Genetics
Classification: Likely benign for Hereditary cancer-predisposing syndrome. Last evaluated: 2024-10-30. Review status: criteria provided, single submitter. Criteria: Ambry Variant Classification Scheme 2023. Collection method: clinical testing. Allele origin: germline.

Labcorp Genetics (formerly Invitae), Labcorp
Classification: Uncertain significance for Familial cancer of breast; Fanconi anemia complementation group J. Last evaluated: 2024-05-01. Review status: criteria provided, single submitter. Criteria: Invitae Variant Classification Sherloc (09022015). Collection method: clinical testing. Allele origin: germline.
Comment: This sequence change replaces lysine, which is basic and polar, with arginine, which is basic and polar, at codon 242 of the BRIP1 protein (p.Lys242Arg). This variant is not present in population databases (gnomAD no frequency). This variant has not been reported in the literature in individuals affected with BRIP1-related conditions. ClinVar contains an entry for this variant (Variation ID: 233800). Advanced modeling of protein sequence and biophysical properties (such as structural, functional, and spatial information, amino acid conservation, physicochemical variation, residue mobility, and thermodynamic stability) performed at Invitae indicates that this missense variant is not expected to disrupt BRIP1 protein function with a negative predictive value of 80%. In summary, the available evidence is currently insufficient to determine the role of this variant in disease. Therefore, it has been classified as a Variant of Uncertain Significance.

Fulgent Genetics
Classification: Uncertain significance for Familial cancer of breast; Fanconi anemia complementation group J. Last evaluated: 2024-02-22. Review status: criteria provided, single submitter. Criteria: ACMG Guidelines, 2015. Collection method: clinical testing. Allele origin: germline.

Color Diagnostics, LLC DBA Color Health
Classification: Uncertain significance for Hereditary cancer-predisposing syndrome. Last evaluated: 2020-09-15. Review status: criteria provided, single submitter. Criteria: ACMG Guidelines, 2015. Collection method: clinical testing. Allele origin: germline.
Comment: This missense variant replaces lysine with arginine at codon 242 of the BRIP1 protein. Computational prediction suggests that this variant may not impact protein structure and function (internally defined REVEL score threshold <= 0.5, PMID: 27666373). To our knowledge, functional studies have not been reported for this variant. This variant has not been reported in individuals affected with hereditary cancer in the literature. This variant has not been identified in the general population by the Genome Aggregation Database (gnomAD). This variant has been identified in a woman older than age 70 years with no personal history of cancer (FLOSSIES). The available evidence is insufficient to determine the role of this variant in disease conclusively. Therefore, this variant is classified as a Variant of Uncertain Significance.

Leiden Open Variation Database
Classification: Uncertain significance. Last evaluated: 2019-08-13. Review status: no assertion criteria provided. Collection method: curation. Allele origin: germline. Affected: yes. Not counted in ClinVar's aggregate classification.
Comment: Curator: Arleen D. Auerbach. Submitter to LOVD: Yukihide Momozawa.

Literature cited by the submitters: PubMed 31214711 (cited by Leiden Open Variation Database).

NM_032043.3(BRIP1):c.725A>G (p.Lys242Arg)

Gene: BRIP1 (BRCA1 interacting DNA helicase 1; minus strand). Cytogenetic location: 17q23.2.
Variant type: single nucleotide variant.
Coding change: c.725A>G on transcript NM_032043.3 (MANE Select); coding-DNA position 725, A replaced by G.
Protein change: p.Lys242Arg; replaces lysine 242 with arginine.
Molecular consequence: missense variant.
Genome position (GRCh38, 1-based): chr17:61,808,660, T>C on the plus strand (A>G on the coding strand, the complement: BRIP1 is on the minus strand). VCF-style: chr17-61808660-T-C. GRCh37 (hg19) VCF-style: chr17-59886021-T-C.
Other names: short protein forms K242R.
Identifiers: ClinVar variation 233800 (VCV000233800.19), dbSNP rs876660647, ClinGen allele CA10580861.